The following is an entry in ClinVar:

NM_004991.4(MECOM):c.2100T>C (p.Phe700=)

Gene: MECOM (MDS1 and EVI1 complex locus; minus strand). Cytogenetic location: 3q26.2.
Variant type: single nucleotide variant.
Coding change: c.2100T>C on transcript NM_004991.4 (MANE Select); coding-DNA position 2100, T replaced by C.
Protein change: p.Phe700=; no amino-acid change (phenylalanine 700 retained).
Molecular consequence: synonymous variant. On other transcripts: intron variant (2).
Genome position (GRCh38, 1-based): chr3:169,115,772, A>G on the plus strand (T>C on the coding strand, the complement: MECOM is on the minus strand). VCF-style: chr3-169115772-A-G. GRCh37 (hg19) VCF-style: chr3-168833560-A-G.
Other names: c.1536T>C, p.Phe512= (NM_001366471.2, NM_001366472.2, NM_005241.4 and 4 more transcripts); c.1133-5T>C (NM_001366473.2); c.569-5T>C (NM_001366474.2); c.1731T>C, p.Phe577= (NM_001105077.4); c.1539T>C, p.Phe513= (NM_001163999.2, NM_001366467.2, NM_001366468.2 and 1 more transcripts); c.2100T>C, p.Phe700= (NM_001366466.2); c.1536T>C (NM_001105078.3).
Identifiers: ClinVar variation 3871712 (VCV003871712.3).

ClinVar aggregate classification (germline): Likely benign. Review status: criteria provided, multiple submitters, no conflicts (2 of 4 stars). 3 submissions from 3 submitters: Likely benign (3). Last evaluated 2026-03-20.

Conditions:
Inborn genetic diseases. Identifiers: MedGen C0950123, MeSH D030342.
MECOM-related disorder. Also called: MECOM-related condition.

gnomAD v4.1: 9 of 1,614,160 alleles (0.00056%); highest among the groups gnomAD compares: East Asian, 0.0022%; no homozygotes.

Submissions (3):

PreventionGenetics, part of Exact Sciences
Classification: Likely benign for MECOM-related condition. Last evaluated: 2026-03-20. Review status: criteria provided, single submitter. Criteria: ACMG Guidelines, 2015. Collection method: clinical testing. Allele origin: germline.
Comment: This variant is classified as likely benign based on ACMG/AMP sequence variant interpretation guidelines (Richards et al. 2015 PMID: 25741868, with internal and published modifications).

Labcorp Genetics (formerly Invitae), Labcorp
Classification: Likely benign. Last evaluated: 2025-06-29. Review status: criteria provided, single submitter. Criteria: Invitae Variant Classification Sherloc (09022015). Collection method: clinical testing. Allele origin: germline.

Ambry Genetics
Classification: Likely benign for Inborn genetic diseases. Last evaluated: 2025-01-14. Review status: criteria provided, single submitter. Criteria: Ambry Variant Classification Scheme 2023. Collection method: clinical testing. Allele origin: germline.